The following is an entry in ClinVar:

NM_000213.5(ITGB4):c.144C>T (p.Cys48=)

Gene: ITGB4 (integrin subunit beta 4; plus strand). Cytogenetic location: 17q25.1.
Variant type: single nucleotide variant.
Coding change: c.144C>T on transcript NM_000213.5 (MANE Select); coding-DNA position 144, C replaced by T.
Protein change: p.Cys48=; no amino-acid change (cysteine 48 retained).
Molecular consequence: synonymous variant.
Genome position (GRCh38, 1-based): chr17:75,727,259, C>T. VCF-style: chr17-75727259-C-T. GRCh37 (hg19) VCF-style: chr17-73723339-C-T.
Other names: c.144C>T, p.Cys48= (NM_001005619.2, NM_001005731.3, NM_001321123.2).
Identifiers: ClinVar variation 741064 (VCV000741064.11), dbSNP rs150023264, ClinGen allele CA8768554.

ClinVar aggregate classification (germline): Likely benign. Review status: criteria provided, single submitter (1 of 4 stars). 2 submissions from 2 submitters: Likely benign (1). 1 of the submissions does not count toward it. Last evaluated 2026-01-20.

Conditions:
ITGB4-related disorder. Also called: ITGB4-related condition.

Allele frequency attached by ClinVar (database versions not stated): ExAC 0.00004; gnomAD exomes 0.00004; gnomAD 0.00008; TOPMed 0.00008; 1000 Genomes Project 30x 0.00016; 1000 Genomes Project 0.00020; ESP Exome Variant Server 0.00023.
gnomAD v4.1: 74 of 1,613,936 alleles (0.0046%); highest among the groups gnomAD compares: African/African-American, 0.023%; no homozygotes.

Submissions (2):

Labcorp Genetics (formerly Invitae), Labcorp
Classification: Likely benign. Last evaluated: 2026-01-20. Review status: criteria provided, single submitter. Criteria: Invitae Variant Classification Sherloc (09022015). Collection method: clinical testing. Allele origin: germline.

PreventionGenetics, part of Exact Sciences
Classification: Likely benign for ITGB4-related condition. Last evaluated: 2019-03-22. Review status: no assertion criteria provided. Collection method: clinical testing. Allele origin: germline. Not counted in ClinVar's aggregate classification.
Comment: This variant is classified as likely benign based on ACMG/AMP sequence variant interpretation guidelines (Richards et al. 2015 PMID: 25741868, with internal and published modifications).